The following is an entry in ClinVar:

NM_001172509.2(SATB2):c.2126A>G (p.Glu709Gly)

Genes: SATB2 (SATB homeobox 2; minus strand), LOC126806462 (MED14-independent group 3 enhancer GRCh37_chr2:200136608-200137807; plus strand). Cytogenetic location: 2q33.1.
Variant type: single nucleotide variant.
Coding change: c.2126A>G on transcript NM_001172509.2 (MANE Select); coding-DNA position 2126, A replaced by G.
Protein change: p.Glu709Gly; replaces glutamic acid 709 with glycine.
Molecular consequence: missense variant.
Genome position (GRCh38, 1-based): chr2:199,272,287, T>C on the plus strand (A>G on the coding strand, the complement: SATB2 is on the minus strand). VCF-style: chr2-199272287-T-C. GRCh37 (hg19) VCF-style: chr2-200137010-T-C.
Other names: c.2126A>G, p.Glu709Gly (NM_001172517.1, NM_015265.4); short protein forms E709G.
Identifiers: ClinVar variation 1053939 (VCV001053939.9), dbSNP rs2105706602, ClinGen allele CA350385092.

ClinVar aggregate classification (germline): Uncertain significance (1 of 4 stars; one submission).

Conditions:
Chromosome 2q32-q33 deletion syndrome (GLASS). Also called: Glass syndrome; 2q33.1 deletion syndrome. Identifiers: Orphanet 251019, MedGen C2676739, MONDO:0012864, OMIM 612313.

Submission:

Labcorp Genetics (formerly Invitae), Labcorp
Classification: Uncertain significance for Chromosome 2q32-q33 deletion syndrome. Last evaluated: 2022-10-25. Review status: criteria provided, single submitter. Criteria: Invitae Variant Classification Sherloc (09022015). Collection method: clinical testing. Allele origin: germline.
Comment: In summary, the available evidence is currently insufficient to determine the role of this variant in disease. Therefore, it has been classified as a Variant of Uncertain Significance. Advanced modeling of protein sequence and biophysical properties (such as structural, functional, and spatial information, amino acid conservation, physicochemical variation, residue mobility, and thermodynamic stability) performed at Invitae indicates that this missense variant is not expected to disrupt SATB2 protein function. ClinVar contains an entry for this variant (Variation ID: 1053939). This variant has not been reported in the literature in individuals affected with SATB2-related conditions. This variant is not present in population databases (gnomAD no frequency). This sequence change replaces glutamic acid, which is acidic and polar, with glycine, which is neutral and non-polar, at codon 709 of the SATB2 protein (p.Glu709Gly).